The following is an entry in ClinVar:

ClinVar aggregate classification (germline): Uncertain significance. Review status: criteria provided, multiple submitters, no conflicts (2 of 4 stars). 3 submissions from 3 submitters: Uncertain significance (2). 1 of the submissions does not count toward it. Last evaluated 2022-02-18.

Conditions:
Multiple acyl-CoA dehydrogenase deficiency (MADD). Also called: Glutaric acidemia type II; GA 2; ETHYLMALONIC-ADIPICACIDURIA; GA II; Glutaric aciduria, type 2; Glutaric Acidemia type 2. Identifiers: Orphanet 26791, MedGen C0268596, MONDO:0009282, OMIM 231680.

Allele frequency attached by ClinVar (database versions not stated): gnomAD exomes 0.00004; 1000 Genomes Project 30x 0.00016; 1000 Genomes Project 0.00020; ExAC 0.00001; gnomAD 0.00001 and 0.00002; TOPMed 0.00002.
gnomAD v4.1: 17 of 1,600,344 alleles (0.0011%); highest among the groups gnomAD compares: East Asian, 0.038%; no homozygotes.

Submissions (3):

Labcorp Genetics (formerly Invitae), Labcorp
Classification: Uncertain significance for Multiple acyl-CoA dehydrogenase deficiency. Last evaluated: 2022-02-18. Review status: criteria provided, single submitter. Criteria: Invitae Variant Classification Sherloc (09022015). Collection method: clinical testing. Allele origin: germline.
Comment: This sequence change replaces proline, which is neutral and non-polar, with alanine, which is neutral and non-polar, at codon 196 of the ETFDH protein (p.Pro196Ala). This variant is present in population databases (rs201067972, gnomAD 0.06%). This variant has not been reported in the literature in individuals affected with ETFDH-related conditions. ClinVar contains an entry for this variant (Variation ID: 990931). Advanced modeling of protein sequence and biophysical properties (such as structural, functional, and spatial information, amino acid conservation, physicochemical variation, residue mobility, and thermodynamic stability) performed at Invitae indicates that this missense variant is expected to disrupt ETFDH protein function. In summary, the available evidence is currently insufficient to determine the role of this variant in disease. Therefore, it has been classified as a Variant of Uncertain Significance.

Fulgent Genetics
Classification: Uncertain significance for Multiple acyl-CoA dehydrogenase deficiency. Last evaluated: 2021-08-09. Review status: criteria provided, single submitter. Criteria: ACMG Guidelines, 2015. Collection method: clinical testing. Allele origin: unknown.

Natera, Inc.
Classification: Uncertain significance for Glutaric aciduria type 2. Last evaluated: 2020-04-21. Review status: no assertion criteria provided. Collection method: clinical testing. Allele origin: germline. Not counted in ClinVar's aggregate classification.

NM_004453.4(ETFDH):c.586C>G (p.Pro196Ala)

Gene: ETFDH (electron transfer flavoprotein dehydrogenase; plus strand). Cytogenetic location: 4q32.1.
Variant type: single nucleotide variant.
Coding change: c.586C>G on transcript NM_004453.4 (MANE Select); coding-DNA position 586, C replaced by G.
Protein change: p.Pro196Ala; replaces proline 196 with alanine.
Molecular consequence: missense variant.
Genome position (GRCh38, 1-based): chr4:158,685,199, C>G. VCF-style: chr4-158685199-C-G. GRCh37 (hg19) VCF-style: chr4-159606351-C-G.
Other names: c.445C>G, p.Pro149Ala (NM_001281737.2); c.403C>G, p.Pro135Ala (NM_001281738.1); short protein forms P135A, P149A, P196A.
Identifiers: ClinVar variation 990931 (VCV000990931.4), dbSNP rs201067972, ClinGen allele CA3122395.